The following is an entry in ClinVar:

NM_000090.4(COL3A1):c.792A>G (p.Gly264=)

Gene: COL3A1 (collagen type III alpha 1 chain; plus strand). Cytogenetic location: 2q32.2.
Variant type: single nucleotide variant.
Coding change: c.792A>G on transcript NM_000090.4 (MANE Select); coding-DNA position 792, A replaced by G.
Protein change: p.Gly264=; no amino-acid change (glycine 264 retained).
Molecular consequence: synonymous variant.
Genome position (GRCh38, 1-based): chr2:188,990,354, A>G. VCF-style: chr2-188990354-A-G. GRCh37 (hg19) VCF-style: chr2-189855080-A-G.
Identifiers: ClinVar variation 498589 (VCV000498589.21), dbSNP rs113304344, ClinGen allele CA62590591.

ClinVar aggregate classification (germline): Conflicting classifications of pathogenicity. Review status: criteria provided, conflicting classifications (1 of 4 stars). 7 submissions from 7 submitters: Uncertain significance (1); Likely benign (6). Last evaluated 2025-12-15.

Conditions:
Familial thoracic aortic aneurysm and aortic dissection (TAAD). Also called: Thoracic aortic aneurysms and dissections. Identifiers: Orphanet 91387, MedGen C4707243, MONDO:0019625.
Ehlers-Danlos syndrome, type 4 (EDSVASC). Also called: Ehlers-Danlos syndrome vascular type; Ehlers Danlos syndrome, ecchymotic type; Ehlers Danlos syndrome, arterial type; Ehlers Danlos syndrome, Sack-Barabas type; Ehlers-Danlos Syndrome Type IV. Identifiers: Orphanet 286, MedGen C0268338, MONDO:0017314, OMIM 130050.

Allele frequency attached by ClinVar (database versions not stated): gnomAD 0.00001; TOPMed 0.00001; gnomAD exomes 0.00002.
gnomAD v4.1: 26 of 1,612,804 alleles (0.0016%); highest among the groups gnomAD compares: African/African-American, 0.0027%; no homozygotes.

Submissions (7):

Women's Health and Genetics/Laboratory Corporation of America, LabCorp
Classification: Likely benign. Last evaluated: 2025-12-15. Review status: criteria provided, single submitter. Criteria: LabCorp Variant Classification Summary - May 2015. Collection method: clinical testing. Allele origin: germline.

Labcorp Genetics (formerly Invitae), Labcorp
Classification: Likely benign for Ehlers-Danlos syndrome, type 4. Last evaluated: 2025-09-10. Review status: criteria provided, single submitter. Criteria: Invitae Variant Classification Sherloc (09022015). Collection method: clinical testing. Allele origin: germline.

Ambry Genetics
Classification: Likely benign for Familial thoracic aortic aneurysm and aortic dissection. Last evaluated: 2024-06-07. Review status: criteria provided, single submitter. Criteria: Ambry Variant Classification Scheme 2023. Collection method: clinical testing. Allele origin: germline.

All of Us Research Program, National Institutes of Health
Classification: Likely benign for Ehlers-Danlos syndrome, type 4. Last evaluated: 2023-06-15. Review status: criteria provided, single submitter. Criteria: ACMG Guidelines, 2015. Collection method: clinical testing. Allele origin: germline. Inheritance: Autosomal dominant inheritance. Observed: 2 variant alleles, 2 heterozygotes.
Comment: This study involves interpretation of variants in research participants for the purpose of population health screening. Participant phenotype was not available at the time of variant classification. Additional details can be found in publication PMID: 35346344, PMCID: PMC8962531

Color Diagnostics, LLC DBA Color Health
Classification: Likely benign for Familial thoracic aortic aneurysm and aortic dissection. Last evaluated: 2020-08-03. Review status: criteria provided, single submitter. Criteria: ACMG Guidelines, 2015. Collection method: clinical testing. Allele origin: germline.

GeneDx
Classification: Likely benign. Last evaluated: 2018-06-21. Review status: criteria provided, single submitter. Criteria: GeneDx Variant Classification Process June 2021. Collection method: clinical testing. Allele origin: germline. Affected: yes.

Eurofins Ntd Llc (ga)
Classification: Uncertain significance. Last evaluated: 2016-12-15. Review status: criteria provided, single submitter. Criteria: EGL Classification Definitions 2015. Collection method: clinical testing. Allele origin: germline. Observed: 1 variant allele, 1 heterozygote.